The following is an entry in ClinVar:

NM_000535.7(PMS2):c.613C>T (p.Gln205Ter)

Gene: PMS2 (PMS1 homolog 2, mismatch repair system component; minus strand). Cytogenetic location: 7p22.1.
Variant type: single nucleotide variant.
Coding change: c.613C>T on transcript NM_000535.7 (MANE Select); coding-DNA position 613, C replaced by T.
Protein change: p.Gln205Ter; replaces glutamine 205 with a stop codon.
Molecular consequence: nonsense. On other transcripts: 5 prime UTR variant (2), non-coding transcript variant (1), intron variant (1).
Genome position (GRCh38, 1-based): chr7:5,999,200, G>A on the plus strand (C>T on the coding strand, the complement: PMS2 is on the minus strand). VCF-style: chr7-5999200-G-A. GRCh37 (hg19) VCF-style: chr7-6038831-G-A.
Other names: c.208C>T, p.Gln70Ter (NM_001322003.2, NM_001322004.2, NM_001322005.2 and 2 more transcripts); c.613C>T, p.Gln205Ter (NM_001322006.2, NM_001322014.2); c.295C>T, p.Gln99Ter (NM_001322007.2, NM_001322008.2); c.-321C>T (NM_001322011.2, NM_001322012.2); c.304C>T, p.Gln102Ter (NM_001322015.2); c.133-1777C>T (NM_001322013.2); c.613C>T (NM_000535.5); short protein forms Q102*, Q99*, Q70*, Q205*.
Identifiers: ClinVar variation 928305 (VCV000928305.15), dbSNP rs758250810, ClinGen allele CA050615.

ClinVar aggregate classification (germline): Pathogenic/Likely pathogenic. Review status: criteria provided, multiple submitters, no conflicts (2 of 4 stars). 9 submissions from 9 submitters: Pathogenic (8); Likely pathogenic (1). Last evaluated 2025-04-03.

Conditions:
Mismatch repair cancer syndrome 4. Identifiers: MedGen C5436817, MONDO:0030843, OMIM 619101.
Hereditary cancer-predisposing syndrome. Also called: Neoplastic Syndromes, Hereditary; Hereditary Cancer Syndrome; Tumor predisposition; Hereditary neoplastic syndrome. Identifiers: Orphanet 140162, MedGen C0027672, MeSH D009386, MONDO:0015356.
Hereditary nonpolyposis colorectal neoplasms. Identifiers: MedGen C0009405, MeSH D003123.
Lynch syndrome 4 (LYNCH4). Also called: Colorectal cancer, hereditary nonpolyposis, type 4; Hereditary non-polyposis colorectal cancer, type 4. Identifiers: Orphanet 144, MedGen C1838333, MONDO:0013699, OMIM 614337. Disease mechanism: loss of function.

Allele frequency attached by ClinVar (database versions not stated): gnomAD exomes below 0.00001 and 0.00001; ExAC 0.00001.

Submissions (9):

Molecular Diagnostics Laboratory, Catalan Institute of Oncology
Classification: Pathogenic for Hereditary cancer-predisposing syndrome. Last evaluated: 2025-04-03. Review status: criteria provided, single submitter. Criteria: ClinGen CRC ACMG Specifications PMS2 V1.0.0. Collection method: clinical testing. Allele origin: germline.
Comment: PVS1, PM2_Supporting, PP4_Strong c.613C>T, located in exon 6 of the PMS2 gene , is a nonsense variant expected to result in loss of function by premature protein truncation and nonsense-mediated mRNA decay, p.(Gln205*) (PVS1). This variant is found in 5/1613920 alleles at a frequency of 0,0003% in the gnomAD v4 database (PM2_Supporting). The SpliceAI algorithm predicts no significant impact on splicing. It has been reported in three patients affected with colorectal/endometrial cancer showing loss of PMS2 protein expression (PMIDs:�34680242, 31433215, internal data) (PP4_strong). This variant has been reported in the ClinVar database (6x pathogenic, 1x likely pathogenic), in the LOVD database (1x pathogenic) and has not been classified by InSiGHT. Based on currently available information, the variant c.613C>T should be considered a pathogenic variant according to ClinGen CRC ACMG Specifications PMS2 v1.0.0.

Labcorp Genetics (formerly Invitae), Labcorp
Classification: Pathogenic for Hereditary nonpolyposis colorectal neoplasms. Last evaluated: 2024-02-27. Review status: criteria provided, single submitter. Criteria: Invitae Variant Classification Sherloc (09022015). Collection method: clinical testing. Allele origin: germline.
Comment: This sequence change creates a premature translational stop signal (p.Gln205*) in the PMS2 gene. It is expected to result in an absent or disrupted protein product. Loss-of-function variants in PMS2 are known to be pathogenic (PMID: 21376568, 24362816). The frequency data for this variant in the population databases is considered unreliable, as metrics indicate poor data quality at this position in the gnomAD database. This premature translational stop signal has been observed in individual(s) with Lynch syndrome (PMID: 31433215). ClinVar contains an entry for this variant (Variation ID: 928305). Algorithms developed to predict the effect of sequence changes on RNA splicing suggest that this variant may disrupt the consensus splice site. For these reasons, this variant has been classified as Pathogenic.

Ambry Genetics
Classification: Pathogenic for Hereditary cancer-predisposing syndrome. Last evaluated: 2024-02-15. Review status: criteria provided, single submitter. Criteria: Ambry Variant Classification Scheme 2023. Collection method: clinical testing. Allele origin: germline.
Comment: The p.Q205* pathogenic mutation (also known as c.613C>T), located in coding exon 6 of the PMS2 gene, results from a C to T substitution at nucleotide position 613. This changes the amino acid from a glutamine to a stop codon within coding exon 6. This alteration is expected to result in loss of function by premature protein truncation or nonsense-mediated mRNA decay. As such, this alteration is interpreted as a disease-causing mutation.

Myriad Genetics, Inc.
Classification: Pathogenic for Lynch syndrome 4. Last evaluated: 2023-09-19. Review status: criteria provided, single submitter. Criteria: Myriad Autosomal Dominant, Autosomal Recessive and X-Linked Classification Criteria (2023). Collection method: clinical testing. Allele origin: unknown.
Comment: This variant is considered pathogenic. This variant creates a termination codon and is predicted to result in premature protein truncation.

Department of Pathology and Laboratory Medicine, Sinai Health System
Classification: Pathogenic for Lynch syndrome 4. Last evaluated: 2023-03-31. Review status: criteria provided, single submitter. Criteria: ACMG Guidelines, 2015. Collection method: clinical testing. Allele origin: germline. Affected: yes.

Clinical Genetics Laboratory, Skane University Hospital Lund
Classification: Pathogenic. Last evaluated: 2022-07-22. Review status: criteria provided, single submitter. Criteria: ACMG Guidelines, 2015. Collection method: clinical testing. Allele origin: germline. Affected: yes.

Color Diagnostics, LLC DBA Color Health
Classification: Pathogenic for Hereditary cancer-predisposing syndrome. Last evaluated: 2022-02-14. Review status: criteria provided, single submitter. Criteria: ACMG Guidelines, 2015. Collection method: clinical testing. Allele origin: germline.
Comment: This variant changes 1 nucleotide in exon 6 of the PMS2 gene, creating a premature translation stop signal. This variant is expected to result in an absent or non-functional protein product. This variant has been reported in individuals affected with Lynch syndrome (PMID: 34680242). This variant has not been identified in the general population by the Genome Aggregation Database (gnomAD). Loss of PMS2 function is a known mechanism of disease. Based on the available evidence, this variant is classified as Pathogenic.

Clinical Genetics and Genomics, Karolinska University Hospital
Classification: Pathogenic. Last evaluated: 2018-04-03. Review status: criteria provided, single submitter. Criteria: ACMG Guidelines, 2015. Collection method: clinical testing. Allele origin: germline. Affected: yes. Observed: 2 variant alleles.

Neuberg Centre For Genomic Medicine, NCGM
Classification: Likely pathogenic for Mismatch repair cancer syndrome 4. Review status: criteria provided, single submitter. Criteria: ACMG Guidelines, 2015. Collection method: clinical testing. Allele origin: germline. Inheritance: Autosomal recessive inheritance. Affected: yes.
Comment: The stop gained p.Q205* in PMS2 (NM_000535.7) has not been reported in affected individuals. It has been submitted to ClinVar as Likely Pathogenic.This variant is predicted to cause loss of normal protein function through protein truncation.Loss of function mutations have been reported to be disease causing. For these reasons, this variant has been classified as Likely Pathogenic.

Literature cited by the submitters: PubMed 21376568 (cited by Labcorp Genetics (formerly Invitae), Labcorp); PubMed 24362816 (cited by Labcorp Genetics (formerly Invitae), Labcorp); PubMed 31433215 (cited by Labcorp Genetics (formerly Invitae), Labcorp and Department of Pathology and Laboratory Medicine, Sinai Health System); PubMed 34680242 (cited by Ambry Genetics and Color Diagnostics, LLC DBA Color Health).